The following is an entry in ClinVar:

NM_000126.4(ETFA):c.245A>T (p.Asp82Val)

Gene: ETFA (electron transfer flavoprotein subunit alpha; minus strand). Cytogenetic location: 15q24.2.
Variant type: single nucleotide variant.
Coding change: c.245A>T on transcript NM_000126.4 (MANE Select); coding-DNA position 245, A replaced by T.
Protein change: p.Asp82Val; replaces aspartic acid 82 with valine.
Molecular consequence: missense variant.
Genome position (GRCh38, 1-based): chr15:76,292,642, T>A on the plus strand (A>T on the coding strand, the complement: ETFA is on the minus strand). VCF-style: chr15-76292642-T-A. GRCh37 (hg19) VCF-style: chr15-76584983-T-A.
Other names: c.98A>T, p.Asp33Val (NM_001127716.2); short protein forms D33V, D82V.
Identifiers: ClinVar variation 2192007 (VCV002192007.1), dbSNP rs1439151256, ClinGen allele CA393517240.
Genomic context (GRCh38, chr15:76,292,642, plus strand): 5'-TTTAGACACTACATTTTTTTCTACTGGAAAACCTCACCTGGAAGTAGGCCTTTGTACACA[T>A]CATGCTGAGCCACCAGAACTTTTGCTATGCCTGCTACTTTACAGAGATCTTGTGCCACCT-3'
Protein context (NP_000117.1, residues 72-92): GIAKVLVAQH[Asp82Val]VYKGLLPEEL

ClinVar aggregate classification (germline): Uncertain significance (1 of 4 stars; one submission).

Conditions:
Multiple acyl-CoA dehydrogenase deficiency (MADD). Also called: Glutaric aciduria, type 2; ETHYLMALONIC-ADIPICACIDURIA; GA II; Glutaric acidemia type II; GA 2; Glutaric Acidemia type 2. Identifiers: Orphanet 26791, MedGen C0268596, MONDO:0009282, OMIM 231680.

Allele frequency attached by ClinVar (database versions not stated): gnomAD exomes below 0.00001.
gnomAD v4.1: 1 of 1,613,918 alleles (0.000062%); highest among the groups gnomAD compares: Admixed American, 0.0017%; no homozygotes.

Submission:

Labcorp Genetics (formerly Invitae), Labcorp
Classification: Uncertain significance for Multiple acyl-CoA dehydrogenase deficiency. Last evaluated: 2022-03-10. Review status: criteria provided, single submitter. Criteria: Invitae Variant Classification Sherloc (09022015). Collection method: clinical testing. Allele origin: germline.
Comment: This sequence change replaces aspartic acid, which is acidic and polar, with valine, which is neutral and non-polar, at codon 82 of the ETFA protein (p.Asp82Val). This variant is present in population databases (no rsID available, gnomAD 0.003%). This variant has not been reported in the literature in individuals affected with ETFA-related conditions. Algorithms developed to predict the effect of missense changes on protein structure and function (SIFT, PolyPhen-2, Align-GVGD) all suggest that this variant is likely to be tolerated. In summary, the available evidence is currently insufficient to determine the role of this variant in disease. Therefore, it has been classified as a Variant of Uncertain Significance.